The following is an entry in ClinVar:

ClinVar aggregate classification (germline): Uncertain significance. Review status: criteria provided, multiple submitters, no conflicts (2 of 4 stars). 2 submissions from 2 submitters: Uncertain significance (2). Last evaluated 2025-03-06.

Conditions:
Generalized epilepsy with febrile seizures plus, type 7 (GEFSP7). Also called: GEFS+, TYPE 7. Identifiers: Orphanet 36387, MedGen C2751778, MONDO:0013470, OMIM 613863.
Neuropathy, hereditary sensory and autonomic, type 2A (HSAN2A). Also called: HSAN IIA; WNK1-Related HSAN2 (HSAN2A); MORVAN DISEASE; NEUROPATHY, CONGENITAL SENSORY; NEUROPATHY, HEREDITARY SENSORY RADICULAR, AUTOSOMAL RECESSIVE; NEUROPATHY, HEREDITARY SENSORY, TYPE IIA. Identifiers: Orphanet 970, MedGen C2752089, MONDO:0024309, OMIM 201300.
Inborn genetic diseases. Identifiers: MedGen C0950123, MeSH D030342.

Submissions (2):

Labcorp Genetics (formerly Invitae), Labcorp
Classification: Uncertain significance for Neuropathy, hereditary sensory and autonomic, type 2A; Generalized epilepsy with febrile seizures plus, type 7. Last evaluated: 2025-03-06. Review status: criteria provided, single submitter. Criteria: Invitae Variant Classification Sherloc (09022015). Collection method: clinical testing. Allele origin: germline.
Comment: This sequence change replaces tryptophan, which is neutral and slightly polar, with glutamine, which is neutral and polar, at codon 1538 of the SCN9A protein (p.Trp1538Gln). The frequency data for this variant in the population databases is considered unreliable, as metrics indicate poor data quality at this position in the gnomAD database. This variant has not been reported in the literature in individuals affected with SCN9A-related conditions. ClinVar contains an entry for this variant (Variation ID: 1441876). An algorithm developed to predict the effect of missense changes on protein structure and function (PolyPhen-2) suggests that this variant is likely to be disruptive. In summary, the available evidence is currently insufficient to determine the role of this variant in disease. Therefore, it has been classified as a Variant of Uncertain Significance.

Ambry Genetics
Classification: Uncertain significance for Inborn genetic diseases. Last evaluated: 2020-11-17. Review status: criteria provided, single submitter. Criteria: Ambry Variant Classification Scheme 2023. Collection method: clinical testing. Allele origin: germline.
Comment: The c.4612_4613delTGinsCA variant (also known as p.W1538Q), located in coding exon 25 of the SCN9A gene, results from an in-frame deletion of TG and insertion of CA at nucleotide positions 4612 to 4613. This results in the substitution of the tryptophan residue for a glutamine residue at codon 1538, an amino acid with dissimilar properties. This amino acid position is well conserved in available vertebrate species. In addition, the in silico prediction for this alteration is inconclusive (Choi Y et al. PLoS ONE. 2012; 7(10):e46688). Since supporting evidence is limited at this time, the clinical significance of this alteration remains unclear.

NM_001365536.1(SCN9A):c.4645_4646inv (p.Trp1549Gln)

Genes: SCN9A (sodium voltage-gated channel alpha subunit 9; minus strand), SCN1A-AS1 (SCN1A and SCN9A antisense RNA 1; plus strand). Cytogenetic location: 2q24.3.
Variant type: Inversion.
Coding change: c.4645_4646inv on transcript NM_001365536.1 (MANE Select).
Protein change: p.Trp1549Gln; replaces tryptophan 1549 with glutamine.
Molecular consequence: missense variant.
Genome position: GRCh38 VCF-style: chr2-166204083-CA-TG. GRCh37 (hg19) VCF-style: chr2-167060593-CA-TG.
Other names: c.4612_4613invTG, p.Trp1538Gln (NM_002977.4); c.4612_4613delTGinsCA (NM_002977.3); short protein forms W1549Q, W1538Q.
Identifiers: ClinVar variation 1441876 (VCV001441876.11), ClinGen allele CA2573133520.